The following is an entry in ClinVar:

ClinVar aggregate classification (germline): Likely benign (1 of 4 stars; one submission).

gnomAD v4.1: 10 of 1,614,086 alleles (0.00062%); highest among the groups gnomAD compares: East Asian, 0.011%; no homozygotes.

Submission:

CeGaT Center for Human Genetics Tuebingen
Classification: Likely benign. Last evaluated: 2025-02-01. Review status: criteria provided, single submitter. Criteria: CeGaT Center For Human Genetics Tuebingen Variant Classification Criteria Version 2. Collection method: clinical testing. Allele origin: germline. Affected: yes. Observed: 2 variant alleles.
Comment: TGIF1: BP4, BP7

NM_174886.3(TGIF1):c.-44-8587T>C

Gene: TGIF1 (TGFB induced factor homeobox 1; plus strand). Cytogenetic location: 18p11.31.
Variant type: single nucleotide variant.
Coding change: c.-44-8587T>C on transcript NM_174886.3; 8587 bases into the intron before 44 bases upstream of the start codon, T replaced by C.
Molecular consequence: intron variant. On other transcripts: synonymous variant (1).
Genome position (GRCh38, 1-based): chr18:3,447,767, T>C. VCF-style: chr18-3447767-T-C. GRCh37 (hg19) VCF-style: chr18-3447765-T-C.
Other names: c.28T>C, p.Leu10= (NM_173207.4); c.-44-8587T>C (NM_001278686.3).
Identifiers: ClinVar variation 3771638 (VCV003771638.13).